The following is an entry in ClinVar:

NC_000007.13:g.(?_73477473)_(73478035_?)del

Gene: ELN (elastin; plus strand). Cytogenetic location: 7q11.23.
Variant type: Deletion.
Identifiers: ClinVar variation 1040123 (VCV001040123.2).

ClinVar aggregate classification (germline): Uncertain significance (1 of 4 stars; one submission).

Conditions:
Supravalvar aortic stenosis (SVAS). Also called: Supravalvar aortic stenosis, Eisenberg type. Identifiers: Orphanet 3193, MedGen C0003499, MONDO:0008504, OMIM 185500, HP:0004381.

Submission:

Labcorp Genetics (formerly Invitae), Labcorp
Classification: Uncertain significance for Supravalvar aortic stenosis. Last evaluated: 2020-08-14. Review status: criteria provided, single submitter. Criteria: Invitae Variant Classification Sherloc (09022015). Collection method: clinical testing. Allele origin: germline.
Comment: This variant is an in-frame deletion of the genomic region encompassing exon(s) 28-30 of the ELN gene. It preserves the integrity of the reading frame. This variant has not been reported in the literature in individuals with ELN-related conditions. Experimental studies and prediction algorithms are not available or were not evaluated, and the functional significance of this variant is currently unknown. In summary, the available evidence is currently insufficient to determine the role of this variant in disease. Therefore, it has been classified as a Variant of Uncertain Significance.